The following is an entry in ClinVar:

NM_000268.4(NF2):c.1327G>A (p.Glu443Lys)

Gene: NF2 (NF2, moesin-ezrin-radixin like (MERLIN) tumor suppressor; plus strand). Cytogenetic location: 22q12.2.
Variant type: single nucleotide variant.
Coding change: c.1327G>A on transcript NM_000268.4 (MANE Select); coding-DNA position 1327, G replaced by A.
Protein change: p.Glu443Lys; replaces glutamic acid 443 with lysine.
Molecular consequence: missense variant. On other transcripts: non-coding transcript variant (1), intron variant (1).
Genome position (GRCh38, 1-based): chr22:29,673,473, G>A. VCF-style: chr22-29673473-G-A. GRCh37 (hg19) VCF-style: chr22-30069462-G-A.
Other names: c.1327G>A, p.Glu443Lys (NM_016418.5, NM_181825.3, NM_181832.3); c.1201G>A, p.Glu401Lys (NM_181828.3); c.1204G>A, p.Glu402Lys (NM_181829.3); c.1078G>A, p.Glu360Lys (NM_181830.3, NM_181831.3); c.448-21279G>A (NM_181833.3); short protein forms E402K, E360K, E443K, E401K.
Identifiers: ClinVar variation 1376782 (VCV001376782.11), dbSNP rs1181051479, ClinGen allele CA411148685.
Genomic context (GRCh38, chr22:29,673,473, plus strand): 5'-AAGCGCCTGATGGAGCAGAAGGTGCTGGAAGCCGAGGTGCTGGCACTGAAGATGGCTGAG[G>A]AGTCAGAGAGGAGGTGAGGGGGCACCGGGCACCAGACTGGCGAGGAGGCTGGCGAAGGGC-3'
Protein context (NP_000259.1, residues 433-453): AEVLALKMAE[Glu443Lys]SERRAKEADQ

ClinVar aggregate classification (germline): Uncertain significance. Review status: criteria provided, multiple submitters, no conflicts (2 of 4 stars). 4 submissions from 4 submitters: Uncertain significance (4). Last evaluated 2025-10-10.

Conditions:
Hereditary cancer-predisposing syndrome. Also called: Tumor predisposition; Neoplastic Syndromes, Hereditary; Hereditary Cancer Syndrome; Hereditary neoplastic syndrome. Identifiers: Orphanet 140162, MedGen C0027672, MeSH D009386, MONDO:0015356.
Neurofibromatosis, type 2 (SWNV). Also called: BILATERAL ACOUSTIC NEUROFIBROMATOSIS; NF2-Related Schwannomatosis; SCHWANNOMATOSIS, VESTIBULAR. Identifiers: Orphanet 637, MedGen C0027832, MONDO:0007039, OMIM 101000. Disease mechanism: loss of function.

Allele frequency attached by ClinVar (database versions not stated): gnomAD exomes below 0.00001.
gnomAD v4.1: 1 of 1,609,038 alleles (0.000062%); highest among the groups gnomAD compares: Non-Finnish European, 0.000085%; no homozygotes.

Submissions (4):

Labcorp Genetics (formerly Invitae), Labcorp
Classification: Uncertain significance for Neurofibromatosis, type 2. Last evaluated: 2025-10-10. Review status: criteria provided, single submitter. Criteria: Invitae Variant Classification Sherloc (09022015). Collection method: clinical testing. Allele origin: germline.
Comment: This sequence change replaces glutamic acid, which is acidic and polar, with lysine, which is basic and polar, at codon 443 of the NF2 protein (p.Glu443Lys). This variant is not present in population databases (gnomAD no frequency). This variant has not been reported in the literature in individuals affected with NF2-related conditions. ClinVar contains an entry for this variant (Variation ID: 1376782). Invitae Evidence Modeling of protein sequence and biophysical properties (such as structural, functional, and spatial information, amino acid conservation, physicochemical variation, residue mobility, and thermodynamic stability) has been performed for this missense variant. However, the output from this modeling did not meet the statistical confidence thresholds required to predict the impact of this variant on NF2 protein function. In summary, the available evidence is currently insufficient to determine the role of this variant in disease. Therefore, it has been classified as a Variant of Uncertain Significance.

GeneDx
Classification: Uncertain significance. Last evaluated: 2025-05-11. Review status: criteria provided, single submitter. Criteria: GeneDx Variant Classification Process June 2021. Collection method: clinical testing. Allele origin: germline. Affected: yes.
Comment: Not observed at significant frequency in large population cohorts (gnomAD); In silico analysis supports that this missense variant has a deleterious effect on protein structure/function; Has not been previously published as pathogenic or benign to our knowledge; This variant is associated with the following publications: (PMID: 16324214, 17134719, 22482125)

Ambry Genetics
Classification: Uncertain significance for Hereditary cancer-predisposing syndrome. Last evaluated: 2024-06-30. Review status: criteria provided, single submitter. Criteria: Ambry Variant Classification Scheme 2023. Collection method: clinical testing. Allele origin: germline.
Comment: The p.E443K variant (also known as c.1327G>A), located in coding exon 12 of the NF2 gene, results from a G to A substitution at nucleotide position 1327. The glutamic acid at codon 443 is replaced by lysine, an amino acid with similar properties. This amino acid position is well conserved in available vertebrate species. In addition, the in silico prediction for this alteration is inconclusive. Since supporting evidence is limited at this time, the clinical significance of this alteration remains unclear.

Sema4
Classification: Uncertain significance for Hereditary cancer-predisposing syndrome. Last evaluated: 2021-10-08. Review status: criteria provided, single submitter. Criteria: Sema4 Curation Guidelines. Collection method: curation. Allele origin: germline.
Comment: The NF2 c.1327G>A (p.E443K) variant has not been reported in the literature to our knowledge. This variant is not reported in the population database Genome Aggregation Database (PMID: 32461654). The variant has not been reported in ClinVar. Functional studies have not been performed, and in silico predictions of the variant's effect on protein function are inconclusive. The evidence is insufficient to meet ACMG/AMP criteria for classifying the variant as benign or pathogenic. Thus, the clinical significance of this variant is currently uncertain.